The following is an entry in ClinVar:

NM_181426.2(CCDC39):c.1666-66T>G

Gene: CCDC39 (coiled-coil domain 39 molecular ruler complex subunit; minus strand). Cytogenetic location: 3q26.33.
Variant type: single nucleotide variant.
Coding change: c.1666-66T>G on transcript NM_181426.2 (MANE Select); 66 bases into the intron before coding-DNA position 1666, T replaced by G.
Molecular consequence: intron variant.
Genome position (GRCh38, 1-based): chr3:180,642,267, A>C on the plus strand (T>G on the coding strand, the complement: CCDC39 is on the minus strand). VCF-style: chr3-180642267-A-C. GRCh37 (hg19) VCF-style: chr3-180360055-A-C.
Identifiers: ClinVar variation 4813935 (VCV004813935.1).

ClinVar aggregate classification (germline): Likely benign (1 of 4 stars; one submission).

gnomAD v4.1: 1,390 of 959,440 alleles (0.14%); highest among the groups gnomAD compares: African/African-American, 2.1%; 13 homozygotes.

Submission:

GeneDx
Classification: Likely benign. Last evaluated: 2019-12-24. Review status: criteria provided, single submitter. Criteria: GeneDx Variant Classification Process June 2021. Collection method: clinical testing. Allele origin: germline. Affected: yes.
Comment: See Variant Classification Assertion Criteria.